The following is an entry in ClinVar:

ClinVar aggregate classification (germline): Likely benign. Review status: criteria provided, multiple submitters, no conflicts (2 of 4 stars). 2 submissions from 2 submitters: Likely benign (2). Last evaluated 2024-12-27.

Conditions:
GALNT3-related disorder. Also called: GALNT3-related condition.

Allele frequency attached by ClinVar (database versions not stated): TOPMed below 0.00001; gnomAD exomes 0.00001; ExAC 0.00002.
gnomAD v4.1: 12 of 1,614,020 alleles (0.00074%); highest among the groups gnomAD compares: African/African-American, 0.0013%; no homozygotes.

Submissions (2):

PreventionGenetics, part of Exact Sciences
Classification: Likely benign for GALNT3-related condition. Last evaluated: 2024-12-27. Review status: criteria provided, single submitter. Criteria: ACMG Guidelines, 2015. Collection method: clinical testing. Allele origin: germline.
Comment: This variant is classified as likely benign based on ACMG/AMP sequence variant interpretation guidelines (Richards et al. 2015 PMID: 25741868, with internal and published modifications).

Labcorp Genetics (formerly Invitae), Labcorp
Classification: Likely benign. Last evaluated: 2024-02-16. Review status: criteria provided, single submitter. Criteria: Invitae Variant Classification Sherloc (09022015). Collection method: clinical testing. Allele origin: germline.

NM_004482.4(GALNT3):c.996C>T (p.Asp332=)

Gene: GALNT3 (polypeptide N-acetylgalactosaminyltransferase 3; minus strand). Cytogenetic location: 2q24.3.
Variant type: single nucleotide variant.
Coding change: c.996C>T on transcript NM_004482.4 (MANE Select); coding-DNA position 996, C replaced by T.
Protein change: p.Asp332=; no amino-acid change (aspartic acid 332 retained).
Molecular consequence: synonymous variant.
Genome position (GRCh38, 1-based): chr2:165,759,413, G>A on the plus strand (C>T on the coding strand, the complement: GALNT3 is on the minus strand). VCF-style: chr2-165759413-G-A. GRCh37 (hg19) VCF-style: chr2-166615923-G-A.
Other names: c.996C>T (NM_004482.3).
Identifiers: ClinVar variation 2889808 (VCV002889808.4), dbSNP rs751672055, ClinGen allele CA1941037.
Genomic context (GRCh38, chr2:165,759,413, plus strand): 5'-ATCTTTCCTTCTTTGCTTCTCATGATCAGGAAGCGACTCCCAGCCAAATGAAAGACTCCA[G>A]TCAAAATTTCCACGGTTATGGTTACTTCCATAAGGAGAAGGTTTGTTGAATTCAAACGTG-3'
Protein context (NP_004473.2, residues 322-342): YGSNHNRGNF[Asp332=]WSLSFGWESL